The following is an entry in ClinVar:

ClinVar aggregate classification (germline): Uncertain significance (1 of 4 stars; one submission).

Conditions:
Inborn genetic diseases. Identifiers: MedGen C0950123, MeSH D030342.

Submission:

Ambry Genetics
Classification: Uncertain significance for Inborn genetic diseases. Last evaluated: 2024-03-14. Review status: criteria provided, single submitter. Criteria: Ambry Variant Classification Scheme 2023. Collection method: clinical testing. Allele origin: germline.
Comment: The p.E307G variant (also known as c.920A>G), located in coding exon 7 of the BUB1B gene, results from an A to G substitution at nucleotide position 920. The glutamic acid at codon 307 is replaced by glycine, an amino acid with similar properties. This amino acid position is conserved. In addition, the in silico prediction for this alteration is inconclusive. Based on the available evidence, the clinical significance of this alteration remains unclear.

NM_001211.6(BUB1B):c.920A>G (p.Glu307Gly)

Gene: BUB1B (BUB1 mitotic checkpoint serine/threonine kinase B; plus strand). Cytogenetic location: 15q15.1.
Variant type: single nucleotide variant.
Coding change: c.920A>G on transcript NM_001211.6 (MANE Select); coding-DNA position 920, A replaced by G.
Protein change: p.Glu307Gly; replaces glutamic acid 307 with glycine.
Molecular consequence: missense variant.
Genome position (GRCh38, 1-based): chr15:40,185,333, A>G. VCF-style: chr15-40185333-A-G. GRCh37 (hg19) VCF-style: chr15-40477534-A-G.
Other names: short protein forms E307G.
Identifiers: ClinVar variation 3221453 (VCV003221453.1), dbSNP rs2542535708, ClinGen allele CA391684677.